The following is an entry in ClinVar:

ClinVar aggregate classification (germline): Uncertain significance (1 of 4 stars; one submission).

Conditions:
Alkuraya-Kucinskas syndrome. Identifiers: Orphanet 610569, MedGen C4693347, MONDO:0060631, OMIM 617822.

Allele frequency attached by ClinVar (database versions not stated): TOPMed 0.00003; gnomAD 0.00004; 1000 Genomes Project 30x 0.00031; 1000 Genomes Project 0.00040.
gnomAD v4.1: 20 of 1,598,742 alleles (0.0013%); highest among the groups gnomAD compares: East Asian, 0.043%; no homozygotes.

Submission:

Victorian Clinical Genetics Services, Murdoch Childrens Research Institute
Classification: Uncertain significance for Alkuraya-Kucinskas syndrome. Last evaluated: 2020-10-19. Review status: criteria provided, single submitter. Criteria: ACMG Guidelines, 2015. Collection method: clinical testing. Allele origin: germline. Inheritance: Autosomal recessive inheritance.
Comment: Based on the classification scheme VCGS_Germline_v1.3.4, this variant is classified as 3B-VUS. Following criteria are met: 0102 - Loss of function is a known mechanism of disease in this gene and is associated with Alkuraya-Kucinskas syndrome (MIM#617822). (I) 0106 - This gene is associated with autosomal recessive disease. (I) 0200 - Variant is predicted to result in a missense amino acid change from serine to threonine. (I) 0251 - This variant is heterozygous. (I) 0304 - Variant is present in gnomAD (v2) <0.01 for a recessive condition (12 heterozygotes, 0 homozygotes). (SP) 0309 - An alternative amino acid change at the same position has been observed in gnomAD (1 heterozygote, 0 homozygotes). (I) 0502 - Missense variant with conflicting in silico predictions and and very high conservation. (I) 0604 - Variant is not located in an established domain, motif, hotspot or informative constraint region. (I) 0705 - No comparable missense variants have previous evidence for pathogenicity. (I) 0807 - This variant has no previous evidence of pathogenicity. (I) 0905 - No published segregation evidence has been identified for this variant. (I) 1007 - No published functional evidence has been identified for this variant. (I) 1208 - Inheritance information for this variant is not currently available in this individual. (I) Legend: (SP) - Supporting pathogenic, (I) - Information, (SB) - Supporting benign

NM_001384125.1(BLTP1):c.13411T>A (p.Ser4471Thr)

Gene: BLTP1 (bridge-like lipid transfer protein family member 1; plus strand). Cytogenetic location: 4q27.
Variant type: single nucleotide variant.
Coding change: c.13411T>A on transcript NM_001384125.1 (MANE Select); coding-DNA position 13411, T replaced by A.
Protein change: p.Ser4471Thr; replaces serine 4471 with threonine.
Molecular consequence: missense variant.
Genome position (GRCh38, 1-based): chr4:122,348,584, T>A. VCF-style: chr4-122348584-T-A. GRCh37 (hg19) VCF-style: chr4-123269739-T-A.
Other names: c.13147T>A, p.Ser4383Thr (NM_015312.4); short protein forms S4383T, S4471T.
Identifiers: ClinVar variation 1806158 (VCV001806158.1), dbSNP rs572353022, ClinGen allele CA3068160.